The following is an entry in ClinVar:

NM_004984.4(KIF5A):c.1819C>T (p.Gln607Ter)

Gene: KIF5A (kinesin family member 5A; plus strand). Cytogenetic location: 12q13.3.
Variant type: single nucleotide variant.
Coding change: c.1819C>T on transcript NM_004984.4 (MANE Select); coding-DNA position 1819, C replaced by T.
Protein change: p.Gln607Ter; replaces glutamine 607 with a stop codon.
Molecular consequence: nonsense.
Genome position (GRCh38, 1-based): chr12:57,575,186, C>T. VCF-style: chr12-57575186-C-T. GRCh37 (hg19) VCF-style: chr12-57968969-C-T.
Other names: c.1552C>T, p.Gln518Ter (NM_001354705.2); short protein forms Q518*, Q607*.
Identifiers: ClinVar variation 4852384 (VCV004852384.1).

ClinVar aggregate classification (germline): Likely pathogenic (1 of 4 stars; one submission).

Conditions:
Hereditary spastic paraplegia 10 (SPG10). Also called: SPASTIC PARAPLEGIA 10, AUTOSOMAL DOMINANT; SPASTIC PARAPLEGIA 10 WITH OR WITHOUT PERIPHERAL NEUROPATHY; SPASTIC PARAPLEGIA 10 WITH PERIPHERAL NEUROPATHY. Identifiers: Orphanet 100991, MedGen C1858712, MONDO:0011408, OMIM 604187.

Submission:

MVZ Medizinische Genetik Mainz
Classification: Likely pathogenic for Hereditary spastic paraplegia 10. Last evaluated: 2026-04-17. Review status: criteria provided, single submitter. Criteria: UK Practice Guidelines For Variant Classification V4 01 2020. Collection method: clinical testing. Allele origin: germline. Inheritance: Autosomal dominant inheritance. Affected: yes. Observed: 1 variant allele.
Comment: ACMG Criteria: PVS1,PM2_SUP